The following is an entry in ClinVar:

NM_000397.4(CYBB):c.54_79del (p.Trp18fs)

Gene: CYBB (cytochrome b-245 beta chain; plus strand). Cytogenetic location: Xp21.1.
Variant type: Deletion.
Coding change: c.54_79del on transcript NM_000397.4 (MANE Select); coding-DNA positions 54 to 79, 26 bases deleted (GCTGGGGTTGAACGTCTTCCTCTTTG).
Protein change: p.Trp18fs; shifts the reading frame from tryptophan 18.
Molecular consequence: frameshift variant.
Genome position (GRCh38, 1-based): chrX:37,782,096-37,782,121, GCTGGGGTTGAACGTCTTCCTCTTTG deleted; deleting any 26 consecutive bases within chrX:37,782,092-37,782,121 gives the same sequence; the c. name uses the placement nearest the transcript's 3' end. VCF-style (leftmost placement, unchanged base first): chrX-37782091-GTTTGGCTGGGGTTGAACGTCTTCCTC-G. GRCh37 (hg19) VCF-style: chrX-37641344-GTTTGGCTGGGGTTGAACGTCTTCCTC-G.
Other names: c.54_79delGCTGGGGTTGAACGTCTTCCTCTTTG (NM_000397.3); c.54_79del26 (NM_000397.3); short protein forms W18fs.
Identifiers: ClinVar variation 432965 (VCV000432965.2), dbSNP rs1556464542, ClinGen allele CA645372681.

ClinVar aggregate classification (germline): Pathogenic (1 of 4 stars; one submission).

Submission:

GeneDx
Classification: Pathogenic. Last evaluated: 2017-06-19. Review status: criteria provided, single submitter. Criteria: GeneDx Variant Classification (06012015). Collection method: clinical testing. Allele origin: germline. Affected: yes.
Comment: The c.54_79del26 variant in the CYBB gene causes a frameshift starting with codon Tryptophan 18, changes this amino acid to a Cysteine residue and creates a premature Stop codon at position 8 of the new reading frame, denoted p.Trp18CysfsX8. This variant is predicted to cause loss of normal protein function either through protein truncation or nonsense-mediated mRNA decay. The variant is not observed in large population cohorts (Lek et al., 2016; 1000 Genomes Consortium et al., 2015; Exome Variant Server). Although this variant has not been previously reported to our knowledge, we consider it to be pathogenic.